The following is an entry in ClinVar:

ClinVar aggregate classification (germline): Uncertain significance. Review status: criteria provided, multiple submitters, no conflicts (2 of 4 stars). 3 submissions from 3 submitters: Uncertain significance (3). Last evaluated 2025-09-30.

Allele frequency attached by ClinVar (database versions not stated): gnomAD exomes 0.00002 and 0.00005; ESP Exome Variant Server 0.00008; 1000 Genomes Project 30x 0.00016; gnomAD 0.00003 and 0.00004; TOPMed 0.00005; ExAC 0.00004; 1000 Genomes Project 0.00020.
gnomAD v4.1: 43 of 1,613,342 alleles (0.0027%); highest among the groups gnomAD compares: African/African-American, 0.004%; no homozygotes.

Submissions (3):

Mayo Clinic Laboratories, Mayo Clinic
Classification: Uncertain significance. Last evaluated: 2025-09-30. Review status: criteria provided, single submitter. Criteria: ACMG Guidelines, 2015. Collection method: clinical testing. Allele origin: germline. Observed: 1 variant allele.
Comment: PM2_supporting

Labcorp Genetics (formerly Invitae), Labcorp
Classification: Uncertain significance. Last evaluated: 2021-08-28. Review status: criteria provided, single submitter. Criteria: Invitae Variant Classification Sherloc (09022015). Collection method: clinical testing. Allele origin: germline.
Comment: This sequence change replaces alanine with valine at codon 1382 of the SBF1 protein (p.Ala1382Val). The alanine residue is weakly conserved and there is a small physicochemical difference between alanine and valine. This variant is present in population databases (rs368126124, ExAC 0.01%). This variant has not been reported in the literature in individuals affected with SBF1-related conditions. Algorithms developed to predict the effect of missense changes on protein structure and function output the following: SIFT: "Tolerated"; PolyPhen-2: "Benign"; Align-GVGD: "Class C0". The valine amino acid residue is found in multiple mammalian species, which suggests that this missense change does not adversely affect protein function. Algorithms developed to predict the effect of sequence changes on RNA splicing suggest that this variant may create or strengthen a splice site. In summary, the available evidence is currently insufficient to determine the role of this variant in disease. Therefore, it has been classified as a Variant of Uncertain Significance.

GeneDx
Classification: Uncertain significance. Last evaluated: 2019-08-14. Review status: criteria provided, single submitter. Criteria: GeneDx Variant Classification Process June 2021. Collection method: clinical testing. Allele origin: germline. Affected: yes.
Comment: In silico analysis, which includes protein predictors and evolutionary conservation, supports that this variant does not alter protein structure/function; Has not been previously published as pathogenic or benign to our knowledge

NM_002972.4(SBF1):c.4145C>T (p.Ala1382Val)

Gene: SBF1 (SET binding factor 1; minus strand). Cytogenetic location: 22q13.33.
Variant type: single nucleotide variant.
Coding change: c.4145C>T on transcript NM_002972.4 (MANE Select); coding-DNA position 4145, C replaced by T.
Protein change: p.Ala1382Val; replaces alanine 1382 with valine.
Molecular consequence: missense variant.
Genome position (GRCh38, 1-based): chr22:50,456,337, G>A on the plus strand (C>T on the coding strand, the complement: SBF1 is on the minus strand). VCF-style: chr22-50456337-G-A. GRCh37 (hg19) VCF-style: chr22-50894766-G-A.
Other names: p.Ala1382Val; c.4070C>T, p.Ala1357Val (NM_001365819.1); short protein forms A1357V, A1382V.
Identifiers: ClinVar variation 1307650 (VCV001307650.7), dbSNP rs368126124, ClinGen allele CA10316370.
Genomic context (GRCh38, chr22:50,456,337, plus strand): 5'-GCGGGGCAGCCTGGGACACATGCTTTCAGCAGCTTCTTGAAGCTAGCCTTCACCTGCCGT[G>A]CCTCGAATACCTCAATGGGCACCAGCTCCCACTGCTGCAGGGGGTCTGACCGCACACCCT-3'
Protein context (NP_002963.2, residues 1372-1392): WELVPIEVFE[Ala1382Val]RQVKASFKKL